The following is an entry in ClinVar:

ClinVar aggregate classification (germline): Uncertain significance (1 of 4 stars; one submission).

Conditions:
Nemaline myopathy 2 (NEM2). Also called: Nemaline myopathy 2, autosomal recessive. Identifiers: MedGen C1850569, MONDO:0009725, OMIM 256030.

Submission:

Myriad Genetics, Inc.
Classification: Uncertain significance for Nemaline myopathy 2. Last evaluated: 2025-12-31. Review status: criteria provided, single submitter. Criteria: Myriad Autosomal Dominant, Autosomal Recessive and X-Linked Classification Criteria (2023). Collection method: clinical testing. Allele origin: unknown.
Comment: NM_001271208.1(NEB):c.24126+1G>C is a variant in a canonical splice site classified as a variant of uncertain significance in the context of NEB-related nemaline myopathy. c.24126+1G>C has not been observed in cases with relevant disease. Relevant functional assessments of this variant are not available in the literature. c.24126+1G>C has not been observed in referenced population frequency databases. In summary, there is insufficient evidence to classify NM_001271208.1(NEB):c.24126+1G>C as pathogenic or benign. Please note: this variant was assessed in the context of healthy population screening.

NM_001164508.2(NEB):c.24021+1G>C

Genes: NEB (nebulin; minus strand), RIF1 (replication timing regulatory factor 1; plus strand). Cytogenetic location: 2q23.3.
Variant type: single nucleotide variant.
Coding change: c.24021+1G>C on transcript NM_001164508.2 (MANE Select); the canonical splice donor site of the intron after coding-DNA position 24021, G replaced by C.
Molecular consequence: splice donor variant. On other transcripts: intron variant (1).
Genome position (GRCh38, 1-based): chr2:151,501,390, C>G on the plus strand (G>C on the coding strand, the complement: NEB is on the minus strand). VCF-style: chr2-151501390-C-G. GRCh37 (hg19) VCF-style: chr2-152357904-C-G.
Other names: c.18825+1403G>C (NM_004543.5); c.24021+1G>C (NM_001164507.2); c.24126+1G>C (NM_001271208.2).
Identifiers: ClinVar variation 5003886 (VCV005003886.1).